The following is an entry in ClinVar:

ClinVar aggregate classification (germline): Uncertain significance (1 of 4 stars; one submission).

Submission:

Greenwood Genetic Center Diagnostic Laboratories, Greenwood Genetic Center
Classification: Uncertain significance. Last evaluated: 2023-12-05. Review status: criteria provided, single submitter. Criteria: ACMG Guidelines, 2015. Collection method: clinical testing. Allele origin: germline. Affected: yes.
Comment: PM2

NM_000829.4(GRIA4):c.1661C>T (p.Ala554Val)

Gene: GRIA4 (glutamate ionotropic receptor AMPA type subunit 4; plus strand). Cytogenetic location: 11q22.3.
Variant type: single nucleotide variant.
Coding change: c.1661C>T on transcript NM_000829.4 (MANE Select); coding-DNA position 1661, C replaced by T.
Protein change: p.Ala554Val; replaces alanine 554 with valine.
Molecular consequence: missense variant. On other transcripts: non-coding transcript variant (1).
Genome position (GRCh38, 1-based): chr11:105,924,583, C>T. VCF-style: chr11-105924583-C-T. GRCh37 (hg19) VCF-style: chr11-105795309-C-T.
Other names: c.1661C>T, p.Ala554Val (NM_001077243.3); short protein forms A554V.
Identifiers: ClinVar variation 2692490 (VCV002692490.1), dbSNP rs1947655442, ClinGen allele CA382301193.